The following is an entry in ClinVar:

ClinVar aggregate classification (germline): Uncertain significance (1 of 4 stars; one submission).

Conditions:
Myopathy, proximal, and ophthalmoplegia (CMYO6). Also called: MYOPATHY WITH CONGENITAL JOINT CONTRACTURES, OPHTHALMOPLEGIA, AND RIMMED VACUOLES; INCLUSION BODY MYOPATHY 3, AUTOSOMAL DOMINANT; CONGENITAL MYOPATHY 6 WITH OPHTHALMOPLEGIA. Identifiers: Orphanet 363677, Orphanet 79091, MedGen C1854106, MONDO:0011577, OMIM 605637.

Submission:

Labcorp Genetics (formerly Invitae), Labcorp
Classification: Uncertain significance for Myopathy, proximal, and ophthalmoplegia. Last evaluated: 2025-11-03. Review status: criteria provided, single submitter. Criteria: Invitae Variant Classification Sherloc (09022015). Collection method: clinical testing. Allele origin: germline.
Comment: This variant, c.5370_5372del, results in the deletion of 1 amino acid(s) of the MYH2 protein (p.Lys1790del), but otherwise preserves the integrity of the reading frame. This variant is present in population databases (rs770302140, gnomAD 0.007%). This variant has not been reported in the literature in individuals affected with MYH2-related conditions. Experimental studies and prediction algorithms are not available or were not evaluated, and the functional significance of this variant is currently unknown. In summary, the available evidence is currently insufficient to determine the role of this variant in disease. Therefore, it has been classified as a Variant of Uncertain Significance.

NM_017534.6(MYH2):c.5364GAA[2] (p.Lys1790del)

Genes: MYH2 (myosin heavy chain 2; minus strand), MYHAS (myosin heavy chain gene cluster antisense RNA; plus strand). Cytogenetic location: 17p13.1.
Variant type: Microsatellite.
Coding change: c.5364GAA[2] on transcript NM_017534.6 (MANE Select); two copies in a row of the 3-base unit GAA starting at c.5364; the reference has three copies in a row; one copy, 3 bases deleted.
Protein change: p.Lys1790del; deletes lysine 1790.
Molecular consequence: inframe deletion.
Genome position (GRCh38, 1-based): chr17:10,523,596-10,523,598, TTC deleted on the plus strand (GAA on the coding strand, the reverse complement: MYH2 is on the minus strand); deleting any 3 consecutive bases within chr17:10,523,596-10,523,604 gives the same sequence; the position shown is the placement nearest the transcript's 3' end. VCF-style (leftmost placement, unchanged base first): chr17-10523595-GTTC-G. GRCh37 (hg19) VCF-style: chr17-10426912-GTTC-G.
Other names: c.5364GAA[2], p.Lys1790del (NM_001100112.2); short protein forms K1790del.
Identifiers: ClinVar variation 4713752 (VCV004713752.1).